The following is an entry in ClinVar:

ClinVar aggregate classification (germline): Likely benign. Review status: criteria provided, multiple submitters, no conflicts (2 of 4 stars). 2 submissions from 2 submitters: Likely benign (2). Last evaluated 2026-08-01.

Allele frequency attached by ClinVar (database versions not stated): gnomAD exomes 0.00001; ExAC 0.00005; TOPMed 0.00006.
gnomAD v4.1: 22 of 1,613,462 alleles (0.0014%); highest among the groups gnomAD compares: Admixed American, 0.025%; no homozygotes.

Submissions (2):

CeGaT Center for Human Genetics Tuebingen
Classification: Likely benign. Last evaluated: 2026-08-01. Review status: criteria provided, single submitter. Criteria: CeGaT Center For Human Genetics Tuebingen Variant Classification Criteria Version 2. Collection method: clinical testing. Allele origin: germline. Affected: yes. Observed: 1 variant allele.
Comment: CACNA1G: BP4, BP7

Labcorp Genetics (formerly Invitae), Labcorp
Classification: Likely benign. Last evaluated: 2025-08-20. Review status: criteria provided, single submitter. Criteria: Invitae Variant Classification Sherloc (09022015). Collection method: clinical testing. Allele origin: germline.

NM_018896.5(CACNA1G):c.4329C>T (p.Gly1443=)

Gene: CACNA1G (calcium voltage-gated channel subunit alpha1 G; plus strand). Cytogenetic location: 17q21.33.
Variant type: single nucleotide variant.
Coding change: c.4329C>T on transcript NM_018896.5 (MANE Select); coding-DNA position 4329, C replaced by T.
Protein change: p.Gly1443=; no amino-acid change (glycine 1443 retained).
Molecular consequence: synonymous variant. On other transcripts: non-coding transcript variant (5).
Genome position (GRCh38, 1-based): chr17:50,605,930, C>T. VCF-style: chr17-50605930-C-T. GRCh37 (hg19) VCF-style: chr17-48683291-C-T.
Other names: c.4329C>T, p.Gly1443= (NM_001256324.2, NM_001256325.2, NM_001256326.2 and 16 more transcripts); c.4260C>T, p.Gly1420= (NM_001256332.2, NM_198376.3, NM_198379.3 and 5 more transcripts).
Identifiers: ClinVar variation 2173621 (VCV002173621.5), dbSNP rs59925383, ClinGen allele CA8652998.
Genomic context (GRCh38, chr17:50,605,930, plus strand): 5'-TTCTCTGTCTCTGGGAATGTGTGTCCAGCTCTTCAAAGGGAAGTTTTTCGTGTGCCAGGG[C>T]GAGGATACCAGGAACATCACCAATAAATCGGACTGTGCCGAGGCCAGTTACCGGTGGGTC-3'
Protein context (NP_061496.2, residues 1433-1453): LFKGKFFVCQ[Gly1443=]EDTRNITNKS